The following is an entry in ClinVar:

NM_032590.5(KDM2B):c.56A>G (p.His19Arg)

Genes: KDM2B (lysine demethylase 2B; minus strand), KDM2B-DT (KDM2B divergent transcript; plus strand). Cytogenetic location: 12q24.31.
Variant type: single nucleotide variant.
Coding change: c.56A>G on transcript NM_032590.5 (MANE Select); coding-DNA position 56, A replaced by G.
Protein change: p.His19Arg; replaces histidine 19 with arginine.
Molecular consequence: missense variant.
Genome position (GRCh38, 1-based): chr12:121,580,856, T>C on the plus strand (A>G on the coding strand, the complement: KDM2B is on the minus strand). VCF-style: chr12-121580856-T-C. GRCh37 (hg19) VCF-style: chr12-122018761-T-C.
Other names: short protein forms H19R.
Identifiers: ClinVar variation 770235 (VCV000770235.29), dbSNP rs191586330, ClinGen allele CA6837376.

ClinVar aggregate classification (germline): Likely benign. Review status: criteria provided, multiple submitters, no conflicts (2 of 4 stars). 4 submissions from 4 submitters: Likely benign (3). 1 of the submissions does not count toward it. Last evaluated 2026-09-01.

Conditions:
KDM2B-related disorder. Also called: KDM2B-related condition.

Allele frequency attached by ClinVar (database versions not stated): 1000 Genomes Project 30x 0.00172; 1000 Genomes Project 0.00220; ESP Exome Variant Server 0.00521; gnomAD exomes 0.00532 and 0.00736; ExAC 0.00533; TOPMed 0.00572; gnomAD 0.00604 and 0.00624.
gnomAD v4.1: 11,681 of 1,614,140 alleles (0.72%); highest among the groups gnomAD compares: Non-Finnish European, 0.87%; 60 homozygotes.

Submissions (4):

CeGaT Center for Human Genetics Tuebingen
Classification: Likely benign. Last evaluated: 2026-09-01. Review status: criteria provided, single submitter. Criteria: CeGaT Center For Human Genetics Tuebingen Variant Classification Criteria Version 2. Collection method: clinical testing. Allele origin: germline. Affected: yes. Observed: 10 variant alleles.
Comment: KDM2B: BP4, BS2

Labcorp Genetics (formerly Invitae), Labcorp
Classification: Likely benign. Last evaluated: 2018-03-29. Review status: criteria provided, single submitter. Criteria: Invitae Variant Classification Sherloc (09022015). Collection method: clinical testing. Allele origin: germline.

Breakthrough Genomics
Classification: Likely benign. Review status: criteria provided, single submitter. Criteria: ACMG Guidelines, 2015. Collection method: not provided. Allele origin: germline. Inheritance: Unknown mechanism. Affected: yes.

PreventionGenetics, part of Exact Sciences
Classification: Likely benign for KDM2B-related condition. Last evaluated: 2019-03-14. Review status: no assertion criteria provided. Collection method: clinical testing. Allele origin: germline. Not counted in ClinVar's aggregate classification.
Comment: This variant is classified as likely benign based on ACMG/AMP sequence variant interpretation guidelines (Richards et al. 2015 PMID: 25741868, with internal and published modifications).